The following is an entry in ClinVar:

NM_007294.4(BRCA1):c.2686dup (p.Ser896fs)

Gene: BRCA1 (BRCA1 DNA repair associated; minus strand). Cytogenetic location: 17q21.31.
Variant type: Duplication.
Coding change: c.2686dup on transcript NM_007294.4 (MANE Select); coding-DNA position 2686, one base duplicated (A; older notation c.2686dupA).
Protein change: p.Ser896fs; shifts the reading frame from serine 896.
Molecular consequence: frameshift variant. On other transcripts: intron variant (137).
Genome position (GRCh38, 1-based): chr17:43,092,845, T duplicated on the plus strand (A on the coding strand, the reverse complement: BRCA1 is on the minus strand); the first of 3 consecutive T bases (chr17:43,092,845-43,092,847); duplicating any one gives the same sequence. VCF-style (leftmost placement, unchanged base first): chr17-43092844-C-CT. GRCh37 (hg19) VCF-style: chr17-41244861-C-CT.
Other names: 2805insA; c.2305dup, p.Ser769fs (NM_001407959.1, NM_001407960.1, NM_001407963.1); c.2302dup, p.Ser768fs (NM_001407962.1); c.2542dup, p.Ser848fs (NM_001407964.1, NM_001407740.1, NM_001407741.1 and 20 more transcripts); c.2182dup, p.Ser728fs (NM_001407965.1); c.1798dup, p.Ser600fs (NM_001407966.1, NM_001407967.1); c.2545dup, p.Ser849fs (NM_007297.4, NM_001407692.1, NM_001407694.1 and 29 more transcripts); c.2686dup, p.Ser896fs (NM_007300.4, NM_001407581.1, NM_001407582.1 and 30 more transcripts); and 43 more; short protein forms S849fs, S896fs, S728fs, S808fs, S829fs, S893fs, S825fs, S854fs.
Identifiers: ClinVar variation 91596 (VCV000091596.20), dbSNP rs80357636, ClinGen allele CA001768.

ClinVar aggregate classification (germline): Pathogenic. Review status: reviewed by expert panel (3 of 4 stars). 6 submissions from 6 submitters: Pathogenic (1). 5 of the submissions do not count toward it. Last evaluated 2016-09-08.

Conditions:
Hereditary cancer-predisposing syndrome. Also called: Hereditary Cancer Syndrome; Hereditary neoplastic syndrome; Neoplastic Syndromes, Hereditary; Tumor predisposition. Identifiers: Orphanet 140162, MedGen C0027672, MeSH D009386, MONDO:0015356.
Breast-ovarian cancer, familial, susceptibility to, 1 (BROVCA1). Also called: BRCA1 Hereditary Breast and Ovarian Cancer; OVARIAN CANCER, SUSCEPTIBILITY TO. Identifiers: Orphanet 145, MedGen C2676676, MONDO:0011450, OMIM 604370. Disease mechanism: loss of function.
Hereditary breast ovarian cancer syndrome. Also called: BRCA1- and BRCA2-Associated Hereditary Breast and Ovarian Cancer; Hereditary breast and ovarian cancer syndrome; Hereditary breast and ovarian cancer syndrome (HBOC); Breast and ovarian cancer; Hereditary breast and/or ovarian cancer syndrome; Hereditary breast and ovarian cancer. Identifiers: Orphanet 145, MedGen C0677776, MeSH D061325, MONDO:0003582. Disease mechanism: loss of function.

Submissions (6):

Evidence-based Network for the Interpretation of Germline Mutant Alleles (ENIGMA)
Classification: Pathogenic for Breast-ovarian cancer, familial, susceptibility to, 1. Last evaluated: 2016-09-08. Review status: reviewed by expert panel. Criteria: ENIGMA BRCA1/2 Classification Criteria (2015). Collection method: curation. Allele origin: germline.
Comment: Variant allele predicted to encode a truncated non-functional protein.

Labcorp Genetics (formerly Invitae), Labcorp
Classification: Pathogenic for Hereditary breast ovarian cancer syndrome. Last evaluated: 2025-05-13. Review status: criteria provided, single submitter. Criteria: Invitae Variant Classification Sherloc (09022015). Collection method: clinical testing. Allele origin: germline. Not counted in ClinVar's aggregate classification.
Comment: This sequence change creates a premature translational stop signal (p.Ser896Lysfs*7) in the BRCA1 gene. It is expected to result in an absent or disrupted protein product. Loss-of-function variants in BRCA1 are known to be pathogenic (PMID: 20104584). This variant is not present in population databases (gnomAD no frequency). This premature translational stop signal has been observed in individual(s) with breast cancer (PMID: 27469594). This variant is also known as c.2686_2687insA. ClinVar contains an entry for this variant (Variation ID: 91596). For these reasons, this variant has been classified as Pathogenic.

Ambry Genetics
Classification: Pathogenic for Hereditary cancer-predisposing syndrome. Last evaluated: 2020-09-29. Review status: criteria provided, single submitter. Criteria: Ambry Variant Classification Scheme 2023. Collection method: clinical testing. Allele origin: germline. Not counted in ClinVar's aggregate classification.
Comment: The c.2686dupA pathogenic mutation, located in coding exon 9 of the BRCA1 gene, results from a duplication of A at nucleotide position 2686, causing a translational frameshift with a predicted alternate stop codon (p.S896Kfs*7). This mutation, designated as c.2686_2687insA, has been identified in high risk breast cancer families in Trinidad and Tobago and Iran (Donenberg T et al. Breast Cancer Res. Treat., 2016 08;159:131-8; Ebrahimi E et al. Cancer Prev Res (Phila), 2019 Nov;12:763-770). In addition to the published data, this alteration is expected to result in loss of function by premature protein truncation or nonsense-mediated mRNA decay. As such, this alteration is interpreted as a disease-causing mutation.

Genomic Research Center, Shahid Beheshti University of Medical Sciences
Classification: Pathogenic for Breast-ovarian cancer, familial, susceptibility to, 1. Last evaluated: 2017-12-03. Review status: criteria provided, single submitter. Criteria: ACMG Guidelines, 2015. Collection method: clinical testing. Allele origin: inherited. Affected: yes. Not counted in ClinVar's aggregate classification.

Consortium of Investigators of Modifiers of BRCA1/2 (CIMBA), c/o University of Cambridge
Classification: Pathogenic for Breast-ovarian cancer, familial, susceptibility to, 1. Last evaluated: 2015-10-02. Review status: criteria provided, single submitter. Criteria: CIMBA Mutation Classification guidelines May 2016. Collection method: clinical testing. Allele origin: germline. Not counted in ClinVar's aggregate classification.

Sharing Clinical Reports Project (SCRP)
Classification: Pathogenic for Breast-ovarian cancer, familial 1. Last evaluated: 2007-12-06. Review status: no assertion criteria provided. Collection method: clinical testing. Allele origin: germline. Not counted in ClinVar's aggregate classification.

Literature cited by the submitters: PubMed 20104584 (cited by Labcorp Genetics (formerly Invitae), Labcorp); PubMed 27469594 (cited by Labcorp Genetics (formerly Invitae), Labcorp and Ambry Genetics); PubMed 31451522 (cited by Ambry Genetics).